The following is an entry in ClinVar:

NM_030777.4(SLC2A10):c.483dup (p.Trp162fs)

Gene: SLC2A10 (solute carrier family 2 member 10; plus strand). Cytogenetic location: 20q13.12.
Variant type: Duplication.
Coding change: c.483dup on transcript NM_030777.4 (MANE Select); coding-DNA position 483, one base duplicated (C; older notation c.483dupC).
Protein change: p.Trp162fs; shifts the reading frame from tryptophan 162.
Molecular consequence: frameshift variant.
Genome position (GRCh38, 1-based): chr20:46,725,519, C duplicated; the last of 5 consecutive C bases (chr20:46,725,515-46,725,519); duplicating any one gives the same sequence. VCF-style (leftmost placement, unchanged base first): chr20-46725514-A-AC. GRCh37 (hg19) VCF-style: chr20-45354153-A-AC.
Other names: short protein forms W162fs.
Identifiers: ClinVar variation 3617449 (VCV003617449.2).

ClinVar aggregate classification (germline): Pathogenic (1 of 4 stars; one submission).

Conditions:
Arterial tortuosity syndrome (ATORS). Identifiers: Orphanet 3342, MedGen C1859726, MONDO:0008818, OMIM 208050.

Submission:

Labcorp Genetics (formerly Invitae), Labcorp
Classification: Pathogenic for Arterial tortuosity syndrome. Last evaluated: 2024-08-31. Review status: criteria provided, single submitter. Criteria: Invitae Variant Classification Sherloc (09022015). Collection method: clinical testing. Allele origin: germline.
Comment: This sequence change creates a premature translational stop signal (p.Trp162Leufs*30) in the SLC2A10 gene. It is expected to result in an absent or disrupted protein product. Loss-of-function variants in SLC2A10 are known to be pathogenic (PMID: 17935213, 22488877, 23494979). This variant is not present in population databases (gnomAD no frequency). This variant has not been reported in the literature in individuals affected with SLC2A10-related conditions. For these reasons, this variant has been classified as Pathogenic.

Literature cited by the submitters: PubMed 17935213; PubMed 22488877; PubMed 23494979.